The following is an entry in ClinVar:

ClinVar aggregate classification (germline): Uncertain significance. Review status: criteria provided, multiple submitters, no conflicts (2 of 4 stars). 3 submissions from 3 submitters: Uncertain significance (3). Last evaluated 2025-01-20.

Conditions:
Familial thoracic aortic aneurysm and aortic dissection (TAAD). Also called: Thoracic aortic aneurysms and dissections. Identifiers: Orphanet 91387, MedGen C4707243, MONDO:0019625.
Rienhoff syndrome. Also called: LOEYS-DIETZ SYNDROME 5. Identifiers: MedGen C3810012, MONDO:0014262, OMIM 615582.

Submissions (3):

Labcorp Genetics (formerly Invitae), Labcorp
Classification: Uncertain significance for Rienhoff syndrome. Last evaluated: 2025-01-20. Review status: criteria provided, single submitter. Criteria: Invitae Variant Classification Sherloc (09022015). Collection method: clinical testing. Allele origin: germline.
Comment: This variant, c.113_115del, results in the deletion of 1 amino acid(s) of the TGFB3 protein (p.Lys38del), but otherwise preserves the integrity of the reading frame. This variant is present in population databases (no rsID available, gnomAD 0.003%). This variant has not been reported in the literature in individuals affected with TGFB3-related conditions. Experimental studies and prediction algorithms are not available or were not evaluated, and the functional significance of this variant is currently unknown. In summary, the available evidence is currently insufficient to determine the role of this variant in disease. Therefore, it has been classified as a Variant of Uncertain Significance.

Ambry Genetics
Classification: Uncertain significance for Familial thoracic aortic aneurysm and aortic dissection. Last evaluated: 2023-04-06. Review status: criteria provided, single submitter. Criteria: Ambry Variant Classification Scheme 2023. Collection method: clinical testing. Allele origin: germline.
Comment: The c.113_115delAGA variant (also known as p.K38del) is located in coding exon 1 of the TGFB3 gene. This variant results from an in-frame AGA deletion at nucleotide positions 113 to 115. This results in the in-frame deletion of a lysine at codon 38. This alteration has been reported in an arrhythmogenic right ventricular cardiomyopathy (ARVC) cohort (Bao J et al. Circ Cardiovasc Genet, 2013 Dec;6:552-6). This amino acid position is well conserved in available vertebrate species. In addition, this alteration is predicted to be deleterious by in silico analysis (Choi Y et al. PLoS ONE. 2012; 7(10):e46688). Since supporting evidence is limited at this time, the clinical significance of this alteration remains unclear.

Blueprint Genetics
Classification: Uncertain significance. Last evaluated: 2021-04-22. Review status: criteria provided, single submitter. Criteria: ACMG Guidelines, 2015. Collection method: clinical testing. Allele origin: germline.

Literature cited by the submitters: PubMed 24125834 (cited by Ambry Genetics).

NM_003239.5(TGFB3):c.107AGA[2] (p.Lys38del)

Gene: TGFB3 (transforming growth factor beta 3; minus strand). Cytogenetic location: 14q24.3.
Variant type: Microsatellite.
Coding change: c.107AGA[2] on transcript NM_003239.5 (MANE Select); two copies in a row of the 3-base unit AGA starting at c.107; the reference has three copies in a row; one copy, 3 bases deleted.
Protein change: p.Lys38del; deletes lysine 38.
Molecular consequence: inframe deletion.
Genome position (GRCh38, 1-based): chr14:75,980,779-75,980,781, TCT deleted on the plus strand (AGA on the coding strand, the reverse complement: TGFB3 is on the minus strand); deleting any 3 consecutive bases within chr14:75,980,779-75,980,788 gives the same sequence; the position shown is the placement nearest the transcript's 3' end. VCF-style (leftmost placement, unchanged base first): chr14-75980778-CTCT-C. GRCh37 (hg19) VCF-style: chr14-76447121-CTCT-C.
Other names: c.113_115delAGA (NM_003239.2); c.107AGA[2], p.Lys38del (NM_001329938.2, NM_001329939.2); short protein forms K38del.
Identifiers: ClinVar variation 1057880 (VCV001057880.12), dbSNP rs1257515732, ClinGen allele CA615194512.